The following is an entry in ClinVar:

ClinVar aggregate classification (germline): Uncertain significance (1 of 4 stars; one submission).

Allele frequency attached by ClinVar (database versions not stated): gnomAD 0.00001; TOPMed 0.00002; ESP Exome Variant Server 0.00023.
gnomAD v4.1: 15 of 1,613,256 alleles (0.00093%); highest among the groups gnomAD compares: African/African-American, 0.0013%; no homozygotes.

Submission:

Labcorp Genetics (formerly Invitae), Labcorp
Classification: Uncertain significance. Last evaluated: 2024-02-26. Review status: criteria provided, single submitter. Criteria: Invitae Variant Classification Sherloc (09022015). Collection method: clinical testing. Allele origin: germline.
Comment: This sequence change affects a donor splice site in intron 42 of the TTC37 gene. While this variant is not anticipated to result in nonsense mediated decay, it likely alters RNA splicing and results in a disrupted protein product. This variant is present in population databases (rs370373017, gnomAD 0.01%). Disruption of this splice site has been observed in individual(s) with clinical features of trichohepatoenteric syndrome (PMID: 21120949). ClinVar contains an entry for this variant (Variation ID: 1914870). Variants that disrupt the consensus splice site are a relatively common cause of aberrant splicing (PMID: 17576681, 9536098). Algorithms developed to predict the effect of sequence changes on RNA splicing suggest that this variant may disrupt the consensus splice site. In summary, the available evidence is currently insufficient to determine the role of this variant in disease. Therefore, it has been classified as a Variant of Uncertain Significance.

Literature cited by the submitters: PubMed 21120949; PubMed 17576681; PubMed 9536098.

NM_014639.4(SKIC3):c.4620+1G>A

Gene: SKIC3 (SKI3 subunit of superkiller complex; minus strand). Cytogenetic location: 5q15.
Variant type: single nucleotide variant.
Coding change: c.4620+1G>A on transcript NM_014639.4 (MANE Select); the canonical splice donor site of the intron after coding-DNA position 4620, G replaced by A.
Molecular consequence: splice donor variant.
Genome position (GRCh38, 1-based): chr5:95,467,865, C>T on the plus strand (G>A on the coding strand, the complement: SKIC3 is on the minus strand). VCF-style: chr5-95467865-C-T. GRCh37 (hg19) VCF-style: chr5-94803569-C-T.
Identifiers: ClinVar variation 1914870 (VCV001914870.3), dbSNP rs370373017, ClinGen allele CA3346340.
Genomic context (GRCh38, chr5:95,467,865, plus strand): 5'-AGATAAAACATTTTAAATAAAATCAATGCCTCAAACATTTTAAATAAAATCAATGCCTTA[C>T]GTCAATAAGCTCATAGTCATCTTTGGCATATAAGTGTCTCAGTAGGTACCAACGTGCAGT-3'